The following is an entry in ClinVar:

ClinVar aggregate classification (germline): Conflicting classifications of pathogenicity. Review status: criteria provided, conflicting classifications (1 of 4 stars). 5 submissions from 5 submitters: Uncertain significance (1); Benign (2); Likely benign (1). 1 of the submissions does not count toward it. Last evaluated 2026-01-30.

Conditions:
C5-related disorder. Also called: C5-related condition.

Allele frequency attached by ClinVar (database versions not stated): gnomAD exomes 0.00019 and 0.00051; ExAC 0.00068; 1000 Genomes Project 30x 0.00172; gnomAD 0.00189 and 0.00203; ESP Exome Variant Server 0.00192; 1000 Genomes Project 0.00200; TOPMed 0.00201.

Submissions (6):

Women's Health and Genetics/Laboratory Corporation of America, LabCorp
Classification: Likely benign. Last evaluated: 2026-01-30. Review status: criteria provided, single submitter. Criteria: LabCorp Variant Classification Summary - May 2015. Collection method: clinical testing. Allele origin: germline.
Comment: Variant summary: C5 c.3770C>G (p.Thr1257Ser) results in a conservative amino acid change in the encoded protein sequence. Algorithms developed to predict the effect of missense changes on protein structure and function all suggest that this variant is likely to be tolerated. The variant allele was found at a frequency of 0.00051 in 251464 control chromosomes, predominantly at a frequency of 0.007 within the African or African-American subpopulation in the gnomAD database, including 1 homozygotes. The observed variant frequency within African or African-American control individuals in the gnomAD database exceeds the estimated maximal expected allele frequency for disease-causing variants in C5. To our knowledge, no occurrence of c.3770C>G in individuals affected with C5-related conditions and no experimental evidence demonstrating its impact on protein function have been reported. ClinVar contains an entry for this variant (Variation ID: 1167938). Based on the evidence outlined above, the variant was classified as likely benign.

Labcorp Genetics (formerly Invitae), Labcorp
Classification: Benign. Last evaluated: 2026-01-27. Review status: criteria provided, single submitter. Criteria: Invitae Variant Classification Sherloc (09022015). Collection method: clinical testing. Allele origin: germline.

Ambry Genetics
Classification: Uncertain significance. Last evaluated: 2025-10-02. Review status: criteria provided, single submitter. Criteria: Ambry Variant Classification Scheme 2023. Collection method: clinical testing. Allele origin: germline.

Breakthrough Genomics
Classification: Benign. Review status: criteria provided, single submitter. Criteria: ACMG Guidelines, 2015. Collection method: not provided. Allele origin: germline. Inheritance: Autosomal recessive inheritance. Affected: yes.

PreventionGenetics, part of Exact Sciences
Classification: Likely benign for C5-related condition. Last evaluated: 2019-04-04. Review status: no assertion criteria provided. Collection method: clinical testing. Allele origin: germline. Not counted in ClinVar's aggregate classification.
Comment: This variant is classified as likely benign based on ACMG/AMP sequence variant interpretation guidelines (Richards et al. 2015 PMID: 25741868, with internal and published modifications).

Dr. Peter K. Rogan Lab, Western University
No classification provided (evidence only). Condition: Colon adenocarcinoma. Review status: no classification provided. Collection method: in vitro. Allele origin: not applicable. Functional consequence: retained intron. Not counted in ClinVar's aggregate classification.

NM_001735.3(C5):c.3770C>G (p.Thr1257Ser)

Gene: C5 (complement C5; minus strand). Cytogenetic location: 9q33.2.
Variant type: single nucleotide variant.
Coding change: c.3770C>G on transcript NM_001735.3 (MANE Select); coding-DNA position 3770, C replaced by G.
Protein change: p.Thr1257Ser; replaces threonine 1257 with serine.
Molecular consequence: missense variant.
Genome position (GRCh38, 1-based): chr9:120,976,794, G>C on the plus strand (C>G on the coding strand, the complement: C5 is on the minus strand). VCF-style: chr9-120976794-G-C. GRCh37 (hg19) VCF-style: chr9-123739072-G-C.
Other names: c.3770C>G (NM_001735.2); c.3788C>G, p.Thr1263Ser (NM_001317163.2); short protein forms T1257S, T1263S.
Identifiers: ClinVar variation 1167938 (VCV001167938.15), dbSNP rs141704823, ClinGen allele CA5217391.